The following is an entry in ClinVar:

ClinVar aggregate classification (germline): Likely benign (1 of 4 stars; one submission).

Submission:

CeGaT Center for Human Genetics Tuebingen
Classification: Likely benign. Last evaluated: 2022-07-01. Review status: criteria provided, single submitter. Criteria: CeGaT Center For Human Genetics Tuebingen Variant Classification Criteria Version 2. Collection method: clinical testing. Allele origin: germline. Affected: yes. Observed: 1 variant allele.
Comment: RNF43: PM2:Supporting, BP4, BP7

NM_017763.6(RNF43):c.1017C>T (p.Leu339=)

Gene: RNF43 (ring finger protein 43; minus strand). Cytogenetic location: 17q22.
Variant type: single nucleotide variant.
Coding change: c.1017C>T on transcript NM_017763.6 (MANE Select); coding-DNA position 1017, C replaced by T.
Protein change: p.Leu339=; no amino-acid change (leucine 339 retained).
Molecular consequence: synonymous variant.
Genome position (GRCh38, 1-based): chr17:58,358,759, G>A on the plus strand (C>T on the coding strand, the complement: RNF43 is on the minus strand). VCF-style: chr17-58358759-G-A. GRCh37 (hg19) VCF-style: chr17-56436120-G-A.
Other names: c.1017C>T, p.Leu339= (NM_001305544.3); c.636C>T, p.Leu212= (NM_001305545.2).
Identifiers: ClinVar variation 2647961 (VCV002647961.24), dbSNP rs745728704, ClinGen allele CA501054069.